The following is an entry in ClinVar:

ClinVar aggregate classification (germline): Uncertain significance (1 of 4 stars; one submission).

Conditions:
Developmental and epileptic encephalopathy 94 (DEE94). Also called: Epileptic encephalopathy, childhood-onset; CHD2-Related Neurodevelopmental Disorders. Identifiers: Orphanet 1942, Orphanet 2382, MedGen C3809278, MONDO:0014150, OMIM 615369.

Submission:

Labcorp Genetics (formerly Invitae), Labcorp
Classification: Uncertain significance for Developmental and epileptic encephalopathy 94. Last evaluated: 2025-12-08. Review status: criteria provided, single submitter. Criteria: Invitae Variant Classification Sherloc (09022015). Collection method: clinical testing. Allele origin: germline.
Comment: This sequence change replaces aspartic acid, which is acidic and polar, with tyrosine, which is neutral and polar, at codon 1414 of the CHD2 protein (p.Asp1414Tyr). This variant is not present in population databases (gnomAD no frequency). This variant has not been reported in the literature in individuals affected with CHD2-related conditions. Invitae Evidence Modeling of protein sequence and biophysical properties (such as structural, functional, and spatial information, amino acid conservation, physicochemical variation, residue mobility, and thermodynamic stability) indicates that this missense variant is not expected to disrupt CHD2 protein function with a negative predictive value of 95%. In summary, the available evidence is currently insufficient to determine the role of this variant in disease. Therefore, it has been classified as a Variant of Uncertain Significance.

NM_001271.4(CHD2):c.4240G>T (p.Asp1414Tyr)

Gene: CHD2 (chromodomain helicase DNA binding protein 2; plus strand). Cytogenetic location: 15q26.1.
Variant type: single nucleotide variant.
Coding change: c.4240G>T on transcript NM_001271.4 (MANE Select); coding-DNA position 4240, G replaced by T.
Protein change: p.Asp1414Tyr; replaces aspartic acid 1414 with tyrosine.
Molecular consequence: missense variant.
Genome position (GRCh38, 1-based): chr15:93,002,279, G>T. VCF-style: chr15-93002279-G-T. GRCh37 (hg19) VCF-style: chr15-93545509-G-T.
Other names: short protein forms D1414Y.
Identifiers: ClinVar variation 4802447 (VCV004802447.1).